The following is an entry in ClinVar:

NM_203447.4(DOCK8):c.54-109T>C

Gene: DOCK8 (dedicator of cytokinesis 8; plus strand). Cytogenetic location: 9p24.3.
Variant type: single nucleotide variant.
Coding change: c.54-109T>C on transcript NM_203447.4 (MANE Select); 109 bases into the intron before coding-DNA position 54, T replaced by C.
Molecular consequence: intron variant.
Genome position (GRCh38, 1-based): chr9:271,518, T>C. VCF-style: chr9-271518-T-C. GRCh37 (hg19) VCF-style: chr9-271518-T-C.
Identifiers: ClinVar variation 675135 (VCV000675135.1), dbSNP rs73374530, ClinGen allele CA187757902.

ClinVar aggregate classification (germline): Benign (1 of 4 stars; one submission).

Allele frequency attached by ClinVar (database versions not stated): gnomAD exomes 0.00449; 1000 Genomes Project 0.03375; gnomAD 0.03384 and 0.03633; 1000 Genomes Project 30x 0.03685; TOPMed 0.03733.
gnomAD v4.1: 8,445 of 854,160 alleles (0.99%); highest among the groups gnomAD compares: African/African-American, 11%; 414 homozygotes.

Submission:

GeneDx
Classification: Benign. Last evaluated: 2018-06-16. Review status: criteria provided, single submitter. Criteria: GeneDx Variant Classification (06012015). Collection method: clinical testing. Allele origin: germline. Affected: yes.
Comment: This variant is considered likely benign or benign based on one or more of the following criteria: it is a conservative change, it occurs at a poorly conserved position in the protein, it is predicted to be benign by multiple in silico algorithms, and/or has population frequency not consistent with disease.